The following is an entry in ClinVar:

NM_006759.4(UGP2):c.222T>C (p.Asp74=)

Gene: UGP2 (UDP-glucose pyrophosphorylase 2; plus strand). Cytogenetic location: 2p15.
Variant type: single nucleotide variant.
Coding change: c.222T>C on transcript NM_006759.4 (MANE Select); coding-DNA position 222, T replaced by C.
Protein change: p.Asp74=; no amino-acid change (aspartic acid 74 retained).
Molecular consequence: synonymous variant. On other transcripts: 5 prime UTR variant (3), intron variant (1).
Genome position (GRCh38, 1-based): chr2:63,857,903, T>C. VCF-style: chr2-63857903-T-C. GRCh37 (hg19) VCF-style: chr2-64085037-T-C.
Other names: c.189T>C, p.Asp63= (NM_001001521.2, NM_001377524.1, NM_001377525.1); c.-139T>C (NM_001377526.1, NM_001377529.1); c.-227T>C (NM_001377528.1); c.-106+16671T>C (NM_001377527.1).
Identifiers: ClinVar variation 4280795 (VCV004280795.7).

ClinVar aggregate classification (germline): Likely benign (1 of 4 stars; one submission).

gnomAD v4.1: 105 of 1,614,030 alleles (0.0065%); highest among the groups gnomAD compares: South Asian, 0.1%; 1 homozygote.

Submission:

CeGaT Center for Human Genetics Tuebingen
Classification: Likely benign. Last evaluated: 2026-04-01. Review status: criteria provided, single submitter. Criteria: CeGaT Center For Human Genetics Tuebingen Variant Classification Criteria Version 2. Collection method: clinical testing. Allele origin: germline. Affected: yes. Observed: 2 variant alleles.
Comment: UGP2: BP4, BP7